The following is an entry in ClinVar:

NM_001127496.3(SPRY4):c.437C>T (p.Pro146Leu)

Gene: SPRY4 (sprouty RTK signaling antagonist 4; minus strand). Cytogenetic location: 5q31.3.
Variant type: single nucleotide variant.
Coding change: c.437C>T on transcript NM_001127496.3 (MANE Select); coding-DNA position 437, C replaced by T.
Protein change: p.Pro146Leu; replaces proline 146 with leucine.
Molecular consequence: missense variant.
Genome position (GRCh38, 1-based): chr5:142,314,672, G>A on the plus strand (C>T on the coding strand, the complement: SPRY4 is on the minus strand). VCF-style: chr5-142314672-G-A. GRCh37 (hg19) VCF-style: chr5-141694237-G-A.
Other names: c.437C>T, p.Pro146Leu (NM_001293289.3, NM_001293290.3); c.506C>T, p.Pro169Leu (NM_030964.5); short protein forms P146L, P169L.
Identifiers: ClinVar variation 2634946 (VCV002634946.4), dbSNP rs150116103, ClinGen allele CA3485552.

ClinVar aggregate classification (germline): Uncertain significance. Review status: criteria provided, multiple submitters, no conflicts (2 of 4 stars). 3 submissions from 3 submitters: Uncertain significance (3). Last evaluated 2025-08-30.

Conditions:
SPRY4-related disorder. Also called: SPRY4-related condition.

Allele frequency attached by ClinVar (database versions not stated): TOPMed 0.00005; 1000 Genomes Project 0.00020; ESP Exome Variant Server 0.00008; 1000 Genomes Project 30x 0.00016; ExAC 0.00002; gnomAD 0.00005.
gnomAD v4.1: 67 of 1,614,162 alleles (0.0042%); highest among the groups gnomAD compares: Middle Eastern, 0.016%; no homozygotes.

Submissions (3):

Labcorp Genetics (formerly Invitae), Labcorp
Classification: Uncertain significance. Last evaluated: 2025-08-30. Review status: criteria provided, single submitter. Criteria: Invitae Variant Classification Sherloc (09022015). Collection method: clinical testing. Allele origin: germline.
Comment: This sequence change replaces proline, which is neutral and non-polar, with leucine, which is neutral and non-polar, at codon 169 of the SPRY4 protein (p.Pro169Leu). This variant is present in population databases (rs150116103, gnomAD 0.006%). This variant has not been reported in the literature in individuals affected with SPRY4-related conditions. ClinVar contains an entry for this variant (Variation ID: 2634946). An algorithm developed to predict the effect of missense changes on protein structure and function outputs the following: PolyPhen-2: "Benign". The leucine amino acid residue is found in multiple mammalian species, which suggests that this missense change does not adversely affect protein function. In summary, the available evidence is currently insufficient to determine the role of this variant in disease. Therefore, it has been classified as a Variant of Uncertain Significance.

PreventionGenetics, part of Exact Sciences
Classification: Uncertain significance for SPRY4-related condition. Last evaluated: 2023-06-21. Review status: criteria provided, single submitter. Criteria: ACMG Guidelines, 2015. Collection method: clinical testing. Allele origin: germline.
Comment: The SPRY4 c.506C>T variant is predicted to result in the amino acid substitution p.Pro169Leu. To our knowledge, this variant has not been reported in the literature. This variant is reported in 0.0062% of alleles in individuals of European (Non-Finnish) descent in gnomAD. At this time, the clinical significance of this variant is uncertain due to the absence of conclusive functional and genetic evidence.

Ambry Genetics
Classification: Uncertain significance. Last evaluated: 2022-09-06. Review status: criteria provided, single submitter. Criteria: Ambry Variant Classification Scheme 2023. Collection method: clinical testing. Allele origin: germline.